The following is an entry in ClinVar:

ClinVar aggregate classification (germline): Uncertain significance (1 of 4 stars; one submission).

gnomAD v4.1: 1 of 1,561,430 alleles (0.000064%); highest among the groups gnomAD compares: Non-Finnish European, 0.000086%; no homozygotes.

Submission:

Labcorp Genetics (formerly Invitae), Labcorp
Classification: Uncertain significance. Last evaluated: 2021-07-12. Review status: criteria provided, single submitter. Criteria: Invitae Variant Classification Sherloc (09022015). Collection method: clinical testing. Allele origin: germline.
Comment: This sequence change replaces proline with serine at codon 1193 of the CNGB1 protein (p.Pro1193Ser). The proline residue is moderately conserved and there is a moderate physicochemical difference between proline and serine. This variant is not present in population databases (ExAC no frequency). This variant has not been reported in the literature in individuals affected with CNGB1-related conditions. Advanced modeling of protein sequence and biophysical properties (such as structural, functional, and spatial information, amino acid conservation, physicochemical variation, residue mobility, and thermodynamic stability) performed at Invitae indicates that this missense variant is not expected to disrupt CNGB1 protein function. In summary, the available evidence is currently insufficient to determine the role of this variant in disease. Therefore, it has been classified as a Variant of Uncertain Significance.

NM_001297.5(CNGB1):c.3577C>T (p.Pro1193Ser)

Gene: CNGB1 (cyclic nucleotide gated channel subunit beta 1; minus strand). Cytogenetic location: 16q21.
Variant type: single nucleotide variant.
Coding change: c.3577C>T on transcript NM_001297.5 (MANE Select); coding-DNA position 3577, C replaced by T.
Protein change: p.Pro1193Ser; replaces proline 1193 with serine.
Molecular consequence: missense variant.
Genome position (GRCh38, 1-based): chr16:57,884,343, G>A on the plus strand (C>T on the coding strand, the complement: CNGB1 is on the minus strand). VCF-style: chr16-57884343-G-A. GRCh37 (hg19) VCF-style: chr16-57918247-G-A.
Other names: c.3559C>T, p.Pro1187Ser (NM_001286130.2); short protein forms P1187S, P1193S.
Identifiers: ClinVar variation 1513823 (VCV001513823.6), dbSNP rs780383898, ClinGen allele CA396059582.